The following is an entry in ClinVar:

ClinVar aggregate classification (germline): Pathogenic. Review status: criteria provided, multiple submitters, no conflicts (2 of 4 stars). 2 submissions from 2 submitters: Pathogenic (2). Last evaluated 2025-09-30.

Conditions:
Cystic fibrosis (CF). Also called: MUCOVISCIDOSIS. Identifiers: Orphanet 586, MedGen C0010674, MONDO:0009061, OMIM 219700. Disease mechanism: loss of function.

Submissions (2):

Women's Health and Genetics/Laboratory Corporation of America, LabCorp
Classification: Pathogenic for Cystic fibrosis. Last evaluated: 2025-09-30. Review status: criteria provided, single submitter. Criteria: LabCorp Variant Classification Summary - May 2015. Collection method: clinical testing. Allele origin: germline.
Comment: Variant summary: CFTR c.1894_1895delGA (p.Glu632ThrfsX9) results in a premature termination codon, predicted to cause a truncation of the encoded protein or absence of the protein due to nonsense mediated decay, which are commonly known mechanisms for disease. The variant was absent in 247920 control chromosomes. c.1894_1895delGA has been observed in individual(s) affected with Cystic Fibrosis (e.g. Anghel Delia_2024). To our knowledge, no experimental evidence demonstrating an impact on protein function has been reported. The following publication has been ascertained in the context of this evaluation (PMID: 39296431). ClinVar contains an entry for this variant (Variation ID: 3651834). Based on the evidence outlined above, the variant was classified as pathogenic.

Labcorp Genetics (formerly Invitae), Labcorp
Classification: Pathogenic for Cystic fibrosis. Last evaluated: 2024-05-09. Review status: criteria provided, single submitter. Criteria: Invitae Variant Classification Sherloc (09022015). Collection method: clinical testing. Allele origin: germline.
Comment: This sequence change creates a premature translational stop signal (p.Glu632Thrfs*9) in the CFTR gene. It is expected to result in an absent or disrupted protein product. Loss-of-function variants in CFTR are known to be pathogenic (PMID: 1695717, 7691345, 9725922). This variant is not present in population databases (gnomAD no frequency). This variant has not been reported in the literature in individuals affected with CFTR-related conditions. For these reasons, this variant has been classified as Pathogenic.

Literature cited by the submitters: PubMed 39296431 (cited by Women's Health and Genetics/Laboratory Corporation of America, LabCorp); PubMed 1695717 (cited by Labcorp Genetics (formerly Invitae), Labcorp); PubMed 7691345 (cited by Labcorp Genetics (formerly Invitae), Labcorp); PubMed 9725922 (cited by Labcorp Genetics (formerly Invitae), Labcorp).

NM_000492.4(CFTR):c.1894_1895del (p.Glu632fs)

Gene: CFTR (CF transmembrane conductance regulator; plus strand). Cytogenetic location: 7q31.2.
Variant type: Deletion.
Coding change: c.1894_1895del on transcript NM_000492.4 (MANE Select); coding-DNA positions 1894 to 1895, 2 bases deleted (GA; older notation c.1894_1895delGA).
Protein change: p.Glu632fs; shifts the reading frame from glutamic acid 632.
Molecular consequence: frameshift variant.
Genome position (GRCh38, 1-based): chr7:117,592,061-117,592,062, GA deleted; deleting any 2 consecutive bases within chr7:117,592,060-117,592,062 gives the same sequence; the c. name uses the placement nearest the transcript's 3' end. VCF-style (leftmost placement, unchanged base first): chr7-117592059-CAG-C. GRCh37 (hg19) VCF-style: chr7-117232113-CAG-C.
Other names: c.1894_1895delGA (NM_000492.4); short protein forms E632fs.
Identifiers: ClinVar variation 3651834 (VCV003651834.3).
Genomic context (GRCh38, chr7:117,592,059, plus strand): 5'-AGAAAGCTGACAAAATATTAATTTTGCATGAAGGTAGCAGCTATTTTTATGGGACATTTT[CAG>C]AACTCCAAAATCTACAGCCAGACTTTAGCTCAAAACTCATGGGATGTGATTCTTTCGACC-3'